The following is an entry in ClinVar:

NM_001184880.2(PCDH19):c.3028C>T (p.Pro1010Ser)

Gene: PCDH19 (protocadherin 19; minus strand). Cytogenetic location: Xq22.1.
Variant type: single nucleotide variant.
Coding change: c.3028C>T on transcript NM_001184880.2 (MANE Select); coding-DNA position 3028, C replaced by T.
Protein change: p.Pro1010Ser; replaces proline 1010 with serine.
Molecular consequence: missense variant.
Genome position (GRCh38, 1-based): chrX:100,296,696, G>A on the plus strand (C>T on the coding strand, the complement: PCDH19 is on the minus strand). VCF-style: chrX-100296696-G-A. GRCh37 (hg19) VCF-style: chrX-99551694-G-A.
Other names: c.2887C>T, p.Pro963Ser (NM_001105243.2); c.2884C>T, p.Pro962Ser (NM_020766.3); short protein forms P1010S, P963S, P962S.
Identifiers: ClinVar variation 2100077 (VCV002100077.4), dbSNP rs2520447502, ClinGen allele CA414000604.

ClinVar aggregate classification (germline): Uncertain significance (1 of 4 stars; one submission).

Conditions:
Developmental and epileptic encephalopathy, 9 (DEE9). Also called: Early infantile epileptic encephalopathy 9; JUBERG-HELLMAN SYNDROME; EPILEPSY, FEMALE-RESTRICTED, WITH MENTAL RETARDATION; PCDH19-Related X-Linked Female-Limited Epilepsy with Mental Retardation. Identifiers: Orphanet 101039, Orphanet 2076, MedGen C1848137, MONDO:0010246, OMIM 300088. Disease mechanism: loss of function.

Submission:

Labcorp Genetics (formerly Invitae), Labcorp
Classification: Uncertain significance for Developmental and epileptic encephalopathy, 9. Last evaluated: 2022-02-20. Review status: criteria provided, single submitter. Criteria: Invitae Variant Classification Sherloc (09022015). Collection method: clinical testing. Allele origin: germline.
Comment: This variant is not present in population databases (gnomAD no frequency). This variant has not been reported in the literature in individuals affected with PCDH19-related conditions. Advanced modeling of protein sequence and biophysical properties (such as structural, functional, and spatial information, amino acid conservation, physicochemical variation, residue mobility, and thermodynamic stability) performed at Invitae indicates that this missense variant is not expected to disrupt PCDH19 protein function. In summary, the available evidence is currently insufficient to determine the role of this variant in disease. Therefore, it has been classified as a Variant of Uncertain Significance. This sequence change replaces proline, which is neutral and non-polar, with serine, which is neutral and polar, at codon 1010 of the PCDH19 protein (p.Pro1010Ser).